The following is an entry in ClinVar:

NM_014319.5(LEMD3):c.1672C>A (p.Gln558Lys)

Gene: LEMD3 (LEM domain containing 3; plus strand). Cytogenetic location: 12q14.3.
Variant type: single nucleotide variant.
Coding change: c.1672C>A on transcript NM_014319.5 (MANE Select); coding-DNA position 1672, C replaced by A.
Protein change: p.Gln558Lys; replaces glutamine 558 with lysine.
Molecular consequence: missense variant.
Genome position (GRCh38, 1-based): chr12:65,218,596, C>A. VCF-style: chr12-65218596-C-A. GRCh37 (hg19) VCF-style: chr12-65612376-C-A.
Other names: c.1669C>A, p.Gln557Lys (NM_001167614.2); short protein forms Q557K, Q558K.
Identifiers: ClinVar variation 1436899 (VCV001436899.6), dbSNP rs2136340853, ClinGen allele CA385677497.

ClinVar aggregate classification (germline): Uncertain significance (1 of 4 stars; one submission).

Allele frequency attached by ClinVar (database versions not stated): gnomAD exomes below 0.00001.
gnomAD v4.1: 4 of 1,604,324 alleles (0.00025%); highest among the groups gnomAD compares: South Asian, 0.0011%; no homozygotes.

Submission:

Labcorp Genetics (formerly Invitae), Labcorp
Classification: Uncertain significance. Last evaluated: 2021-10-01. Review status: criteria provided, single submitter. Criteria: Invitae Variant Classification Sherloc (09022015). Collection method: clinical testing. Allele origin: germline.
Comment: This variant is not present in population databases (ExAC no frequency). This sequence change replaces glutamine with lysine at codon 558 of the LEMD3 protein (p.Gln558Lys). The glutamine residue is moderately conserved and there is a small physicochemical difference between glutamine and lysine. This variant has not been reported in the literature in individuals affected with LEMD3-related conditions. In summary, the available evidence is currently insufficient to determine the role of this variant in disease. Therefore, it has been classified as a Variant of Uncertain Significance. Algorithms developed to predict the effect of missense changes on protein structure and function (SIFT, PolyPhen-2, Align-GVGD) all suggest that this variant is likely to be tolerated.